The following is an entry in ClinVar:

ClinVar aggregate classification (germline): Uncertain significance (1 of 4 stars; one submission).

Allele frequency attached by ClinVar (database versions not stated): gnomAD exomes below 0.00001 and 0.00001; TOPMed below 0.00001; ExAC 0.00001.

Submission:

GeneDx
Classification: Uncertain significance. Last evaluated: 2019-09-25. Review status: criteria provided, single submitter. Criteria: GeneDx Variant Classification Process June 2021. Collection method: clinical testing. Allele origin: germline. Affected: yes.
Comment: Not observed at a significant frequency in large population cohorts (Lek et al., 2016); In silico analysis, which includes protein predictors and evolutionary conservation, supports a deleterious effect; Has not been previously published as pathogenic or benign to our knowledge

NM_000523.4(HOXD13):c.613G>A (p.Gly205Ser)

Gene: HOXD13 (homeobox D13; plus strand). Cytogenetic location: 2q31.1.
Variant type: single nucleotide variant.
Coding change: c.613G>A on transcript NM_000523.4 (MANE Select); coding-DNA position 613, G replaced by A.
Protein change: p.Gly205Ser; replaces glycine 205 with serine.
Molecular consequence: missense variant.
Genome position (GRCh38, 1-based): chr2:176,093,503, G>A. VCF-style: chr2-176093503-G-A. GRCh37 (hg19) VCF-style: chr2-176958231-G-A.
Other names: short protein forms G205S.
Identifiers: ClinVar variation 1308789 (VCV001308789.2), dbSNP rs746854273, ClinGen allele CA1976637.
Genomic context (GRCh38, chr2:176,093,503, plus strand): 5'-GCGCGAGCCAAGGAGGTATCCTTCTACCAGGGCTATACGAGCCCTTACCAGCACGTGCCC[G>A]GCTATATCGACATGGTGTCCACTTTCGGCTCCGGGGAGCCTCGGCACGAGGCCTACATCT-3'
Protein context (NP_000514.2, residues 195-215): GYTSPYQHVP[Gly205Ser]YIDMVSTFGS